The following is an entry in ClinVar:

ClinVar aggregate classification (germline): Likely benign (1 of 4 stars; one submission).

Conditions:
Hereditary breast ovarian cancer syndrome. Also called: Hereditary breast and ovarian cancer; Hereditary breast and ovarian cancer syndrome (HBOC); Breast and ovarian cancer; Hereditary breast and/or ovarian cancer syndrome; BRCA1- and BRCA2-Associated Hereditary Breast and Ovarian Cancer; Hereditary breast and ovarian cancer syndrome. Identifiers: Orphanet 145, MedGen C0677776, MeSH D061325, MONDO:0003582. Disease mechanism: loss of function.

Submissions (2):

Labcorp Genetics (formerly Invitae), Labcorp
Classification: Likely benign for Hereditary breast ovarian cancer syndrome. Last evaluated: 2023-03-23. Review status: criteria provided, single submitter. Criteria: Invitae Variant Classification Sherloc (09022015). Collection method: clinical testing. Allele origin: germline.

Brotman Baty Institute, University of Washington
No classification provided (evidence only). Condition: Breast-ovarian cancer, familial 1. Review status: no classification provided. Collection method: in vitro. Allele origin: not applicable. Functional consequence: functionally_normal. Not counted in ClinVar's aggregate classification.
ClinVar note: "not provided" was previously submitted as the classification for the variant. However, the classification appeared to be based only on an observation of functional data so it was converted to no classification on 2025-07-30.

NM_007294.4(BRCA1):c.5262A>G (p.Glu1754=)

Gene: BRCA1 (BRCA1 DNA repair associated; minus strand). Cytogenetic location: 17q21.31.
Variant type: single nucleotide variant.
Coding change: c.5262A>G on transcript NM_007294.4 (MANE Select); coding-DNA position 5262, A replaced by G.
Protein change: p.Glu1754=; no amino-acid change (glutamic acid 1754 retained).
Molecular consequence: synonymous variant.
Genome position (GRCh38, 1-based): chr17:43,057,067, T>C on the plus strand (A>G on the coding strand, the complement: BRCA1 is on the minus strand). VCF-style: chr17-43057067-T-C. GRCh37 (hg19) VCF-style: chr17-41209084-T-C.
Other names: c.5049A>G, p.Glu1683= (NM_001407571.1, NM_001407894.1, NM_001407895.1 and 12 more transcripts); c.5328A>G, p.Glu1776= (NM_001407581.1, NM_001407582.1); c.5325A>G, p.Glu1775= (NM_001407583.1, NM_001407585.1, NM_001407587.1 and 1 more transcripts); c.5322A>G, p.Glu1774= (NM_001407590.1, NM_001407591.1); c.5262A>G, p.Glu1754= (NM_001407593.1, NM_001407594.1, NM_001407596.1 and 7 more transcripts); c.5259A>G, p.Glu1753= (NM_001407610.1, NM_001407611.1, NM_001407612.1 and 17 more transcripts); c.5256A>G, p.Glu1752= (NM_001407627.1, NM_001407628.1, NM_001407629.1 and 14 more transcripts); c.5253A>G, p.Glu1751= (NM_001407644.1, NM_001407645.1); and 72 more.
Identifiers: ClinVar variation 867902 (VCV000867902.6), dbSNP rs2051501825, ClinGen allele CA500144546.